The following is an entry in ClinVar:

NM_004463.3(FGD1):c.2436G>A (p.Glu812=)

Gene: FGD1 (FYVE, RhoGEF and PH domain containing 1; minus strand). Cytogenetic location: Xp11.22.
Variant type: single nucleotide variant.
Coding change: c.2436G>A on transcript NM_004463.3 (MANE Select); coding-DNA position 2436, G replaced by A.
Protein change: p.Glu812=; no amino-acid change (glutamic acid 812 retained).
Molecular consequence: synonymous variant.
Genome position (GRCh38, 1-based): chrX:54,448,806, C>T on the plus strand (G>A on the coding strand, the complement: FGD1 is on the minus strand). VCF-style: chrX-54448806-C-T. GRCh37 (hg19) VCF-style: chrX-54475239-C-T.
Identifiers: ClinVar variation 587927 (VCV000587927.8), dbSNP rs1196056313, ClinGen allele CA516591901.

ClinVar aggregate classification (germline): Uncertain significance. Review status: criteria provided, multiple submitters, no conflicts (2 of 4 stars). 2 submissions from 2 submitters: Uncertain significance (2). Last evaluated 2024-12-12.

Conditions:
Inborn genetic diseases. Identifiers: MedGen C0950123, MeSH D030342.

Allele frequency attached by ClinVar (database versions not stated): gnomAD exomes 0.00001; TOPMed 0.00001.
gnomAD v4.1: 16 of 1,211,491 alleles (0.0013%); highest among the groups gnomAD compares: Non-Finnish European, 0.0016%; no homozygotes.

Submissions (2):

Labcorp Genetics (formerly Invitae), Labcorp
Classification: Uncertain significance. Last evaluated: 2024-12-12. Review status: criteria provided, single submitter. Criteria: Invitae Variant Classification Sherloc (09022015). Collection method: clinical testing. Allele origin: germline.
Comment: This sequence change affects codon 812 of the FGD1 mRNA. It is a 'silent' change, meaning that it does not change the encoded amino acid sequence of the FGD1 protein. This variant also falls at the last nucleotide of exon 16, which is part of the consensus splice site for this exon. This variant is present in population databases (no rsID available, gnomAD 0.001%), including at least one homozygous and/or hemizygous individual. This variant has not been reported in the literature in individuals affected with FGD1-related conditions. ClinVar contains an entry for this variant (Variation ID: 587927). Variants that disrupt the consensus splice site are a relatively common cause of aberrant splicing (PMID: 17576681, 9536098). Algorithms developed to predict the effect of sequence changes on RNA splicing suggest that this variant is not likely to affect RNA splicing. In summary, the available evidence is currently insufficient to determine the role of this variant in disease. Therefore, it has been classified as a Variant of Uncertain Significance.

Ambry Genetics
Classification: Uncertain significance for Inborn genetic diseases. Last evaluated: 2016-06-01. Review status: criteria provided, single submitter. Criteria: Ambry Variant Classification Scheme 2023. Collection method: clinical testing. Allele origin: germline.
Comment: The c.2436G>A variant (also known as p.E812E), located in coding exon 16 of the FGD1 gene, results from a G to A substitution at nucleotide position 2436. This nucleotide substitution does not change the glutamic acid at codon 812. However, this change occurs in the last base pair of coding exon 16, which makes it likely to have some effect on normal mRNA splicing. This variant was not reported in population based cohorts in the following databases: Database of Single Nucleotide Polymorphisms (dbSNP), NHLBI Exome Sequencing Project (ESP), and 1000 Genomes Project. In the ESP, this variant was not observed in 6503 samples with coverage at this position. This nucleotide position is highly conserved in available vertebrate species. Using the BDGP and ESEfinder splice site prediction tools, this alteration is predicted to weaken the efficiency of the native splice donor site; however, direct evidence is unavailable. Since supporting evidence is limited at this time, the clinical significance of this variant remains unclear.

Literature cited by the submitters: PubMed 17576681 (cited by Labcorp Genetics (formerly Invitae), Labcorp); PubMed 9536098 (cited by Labcorp Genetics (formerly Invitae), Labcorp).